The following is an entry in ClinVar:

ClinVar aggregate classification (germline): Uncertain significance (1 of 4 stars; one submission).

Allele frequency attached by ClinVar (database versions not stated): gnomAD exomes 0.00001 and 0.00002; ExAC 0.00003; gnomAD 0.00003 and 0.00004; TOPMed 0.00005; ESP Exome Variant Server 0.00015.
gnomAD v4.1: 8 of 1,613,976 alleles (0.0005%); highest among the groups gnomAD compares: African/African-American, 0.011%; no homozygotes.

Submission:

Labcorp Genetics (formerly Invitae), Labcorp
Classification: Uncertain significance. Last evaluated: 2025-11-02. Review status: criteria provided, single submitter. Criteria: Invitae Variant Classification Sherloc (09022015). Collection method: clinical testing. Allele origin: germline.
Comment: This sequence change replaces threonine, which is neutral and polar, with alanine, which is neutral and non-polar, at codon 331 of the DEAF1 protein (p.Thr331Ala). This variant is present in population databases (rs149354901, gnomAD 0.02%). This variant has not been reported in the literature in individuals affected with DEAF1-related conditions. ClinVar contains an entry for this variant (Variation ID: 1517486). Invitae Evidence Modeling of protein sequence and biophysical properties (such as structural, functional, and spatial information, amino acid conservation, physicochemical variation, residue mobility, and thermodynamic stability) indicates that this missense variant is not expected to disrupt DEAF1 protein function with a negative predictive value of 95%. In summary, the available evidence is currently insufficient to determine the role of this variant in disease. Therefore, it has been classified as a Variant of Uncertain Significance.

NM_021008.4(DEAF1):c.991A>G (p.Thr331Ala)

Gene: DEAF1 (DEAF1 transcription factor; minus strand). Cytogenetic location: 11p15.5.
Variant type: single nucleotide variant.
Coding change: c.991A>G on transcript NM_021008.4 (MANE Select); coding-DNA position 991, A replaced by G.
Protein change: p.Thr331Ala; replaces threonine 331 with alanine.
Molecular consequence: missense variant. On other transcripts: intron variant (1).
Genome position (GRCh38, 1-based): chr11:680,969, T>C on the plus strand (A>G on the coding strand, the complement: DEAF1 is on the minus strand). VCF-style: chr11-680969-T-C. GRCh37 (hg19) VCF-style: chr11-680969-T-C.
Other names: c.265A>G, p.Thr89Ala (NM_001367390.1, NM_001440885.1, NM_001440886.1 and 1 more transcripts); c.991A>G, p.Thr331Ala (NM_001440883.1, NM_001440884.1); c.731-1153A>G (NM_001293634.2); short protein forms T89A, T331A.
Identifiers: ClinVar variation 1517486 (VCV001517486.6), dbSNP rs149354901, ClinGen allele CA5786373.